The following is an entry in ClinVar:

ClinVar aggregate classification (germline): Uncertain significance (1 of 4 stars; one submission).

Conditions:
Cutis laxa, autosomal dominant 3 (ADCL3). Identifiers: Orphanet 90348, MedGen C4225268, MONDO:0014706, OMIM 616603.
Autosomal dominant spastic paraplegia type 9. Identifiers: MedGen C1832669, MONDO:0015091.
de Barsy syndrome. Also called: Cutis laxa-corneal clouding-oligophrenia syndrome. Identifiers: Orphanet 2962, MedGen C0268354, MONDO:0017569.

Allele frequency attached by ClinVar (database versions not stated): TOPMed below 0.00001; ExAC 0.00001; gnomAD 0.00001; gnomAD exomes 0.00002.
gnomAD v4.1: 25 of 1,612,798 alleles (0.0016%); highest among the groups gnomAD compares: Admixed American, 0.005%; no homozygotes.

Submission:

Labcorp Genetics (formerly Invitae), Labcorp
Classification: Uncertain significance for Autosomal dominant spastic paraplegia type 9; de Barsy syndrome; Cutis laxa, autosomal dominant 3. Last evaluated: 2024-10-13. Review status: criteria provided, single submitter. Criteria: Invitae Variant Classification Sherloc (09022015). Collection method: clinical testing. Allele origin: germline.
Comment: This sequence change falls in intron 6 of the ALDH18A1 gene. It does not directly change the encoded amino acid sequence of the ALDH18A1 protein. It affects a nucleotide within the consensus splice site. This variant is present in population databases (rs774724802, gnomAD 0.008%). This variant has not been reported in the literature in individuals affected with ALDH18A1-related conditions. ClinVar contains an entry for this variant (Variation ID: 2044391). Variants that disrupt the consensus splice site are a relatively common cause of aberrant splicing (PMID: 17576681, 9536098). Algorithms developed to predict the effect of sequence changes on RNA splicing suggest that this variant is not likely to affect RNA splicing. In summary, the available evidence is currently insufficient to determine the role of this variant in disease. Therefore, it has been classified as a Variant of Uncertain Significance.

Literature cited by the submitters: PubMed 17576681; PubMed 9536098.

NM_002860.4(ALDH18A1):c.718-3T>C

Gene: ALDH18A1 (aldehyde dehydrogenase 18 family member A1; minus strand). Cytogenetic location: 10q24.1.
Variant type: single nucleotide variant.
Coding change: c.718-3T>C on transcript NM_002860.4 (MANE Select); 3 bases into the intron before coding-DNA position 718, T replaced by C.
Molecular consequence: intron variant.
Genome position (GRCh38, 1-based): chr10:95,633,052, A>G on the plus strand (T>C on the coding strand, the complement: ALDH18A1 is on the minus strand). VCF-style: chr10-95633052-A-G. GRCh37 (hg19) VCF-style: chr10-97392809-A-G.
Other names: c.82-3T>C (NM_001323419.2); c.385-3T>C (NM_001323412.2, NM_001323416.2); c.613-3T>C (NM_001323417.2); c.712-3T>C (NM_001017423.2, NM_001323415.2); c.379-3T>C (NM_001323418.2); c.718-3T>C (NM_001323413.2, NM_001323414.2).
Identifiers: ClinVar variation 2044391 (VCV002044391.4), dbSNP rs774724802, ClinGen allele CA5620529.
Genomic context (GRCh38, chr10:95,633,052, plus strand): 5'-TTTTCATTTCCACAGCCAGTCGGGCAGCCAGGCTATCATTATCTTTAACACTAATAACCT[A>G]GAATGCAGATTAAAAAGTCATAAGTGAGTGAGCTAAGCAGTCCAAAAAGAAATTCATGGA-3'